The following is an entry in ClinVar:

NM_020366.4(RPGRIP1):c.3615A>T (p.Gly1205=)

Gene: RPGRIP1 (RPGR interacting protein 1; plus strand). Cytogenetic location: 14q11.2.
Variant type: single nucleotide variant.
Coding change: c.3615A>T on transcript NM_020366.4 (MANE Select); coding-DNA position 3615, A replaced by T.
Protein change: p.Gly1205=; no amino-acid change (glycine 1205 retained).
Molecular consequence: synonymous variant.
Genome position (GRCh38, 1-based): chr14:21,345,195, A>T. VCF-style: chr14-21345195-A-T. GRCh37 (hg19) VCF-style: chr14-21813354-A-T.
Other names: c.1593A>T, p.Gly531= (NM_001377523.1, NM_001377950.1); c.2541A>T, p.Gly847= (NM_001377948.1); c.1701A>T, p.Gly567= (NM_001377949.1); c.1098A>T, p.Gly366= (NM_001377951.1).
Identifiers: ClinVar variation 1427612 (VCV001427612.8), dbSNP rs2139350334, ClinGen allele CA484986911.

ClinVar aggregate classification (germline): Uncertain significance (1 of 4 stars; one submission).

Conditions:
Leber congenital amaurosis 6 (LCA6). Identifiers: Orphanet 65, MedGen C1854260, MONDO:0013446, OMIM 613826.
Cone-rod dystrophy 13 (CORD13). Identifiers: Orphanet 1872, MedGen C2750720, MONDO:0011987, OMIM 608194.

Submission:

Labcorp Genetics (formerly Invitae), Labcorp
Classification: Uncertain significance for Leber congenital amaurosis 6; Cone-rod dystrophy 13. Last evaluated: 2021-07-08. Review status: criteria provided, single submitter. Criteria: Invitae Variant Classification Sherloc (09022015). Collection method: clinical testing. Allele origin: germline.
Comment: In summary, the available evidence is currently insufficient to determine the role of this variant in disease. Therefore, it has been classified as a Variant of Uncertain Significance. Algorithms developed to predict the effect of sequence changes on RNA splicing suggest that this variant may create or strengthen a splice site. This variant has been observed in individual(s) with Leber congenital amaurosis (Invitae). This variant is not present in population databases (ExAC no frequency). This sequence change affects codon 1205 of the RPGRIP1 mRNA. It is a 'silent' change, meaning that it does not change the encoded amino acid sequence of the RPGRIP1 protein.